The following is an entry in ClinVar:

NM_004456.5(EZH2):c.2111-3_2115dup

Gene: EZH2 (enhancer of zeste 2 polycomb repressive complex 2 subunit; minus strand). Cytogenetic location: 7q36.1.
Variant type: Duplication.
Coding change: c.2111-3_2115dup on transcript NM_004456.5 (MANE Select); 3 bases into the intron before coding-DNA position 2111 through coding-DNA position 2115, 8 bases duplicated (CAGTTATG; older notation c.2111-3_2115dupCAGTTATG).
Molecular consequence: splice acceptor variant.
Genome position (GRCh38, 1-based): chr7:148,809,151-148,809,158, CATAACTG duplicated on the plus strand (CAGTTATG on the coding strand, the reverse complement: EZH2 is on the minus strand); duplicating any 8 consecutive bases within chr7:148,809,151-148,809,160 gives the same sequence; the c. name uses the placement nearest the transcript's 3' end. VCF-style (leftmost placement, unchanged base first): chr7-148809150-T-TCATAACTG. GRCh37 (hg19) VCF-style: chr7-148506242-T-TCATAACTG.
Other names: c.2069-3_2073dup (NM_001203248.2); c.1979-3_1983dup (NM_152998.3); c.2096-3_2100dup (NM_001203247.2); c.1943-3_1947dup (NM_001203249.2).
Identifiers: ClinVar variation 3062112 (VCV003062112.1), dbSNP rs2536275565, ClinGen allele CA2740094948.

ClinVar aggregate classification (germline): Uncertain significance (1 of 4 stars; one submission).

Conditions:
Weaver syndrome (WVS). Also called: Weaver Smith syndrome; Overgrowth syndrome with accelerated skeletal maturation, unusual facies, and camptodactyly. Identifiers: Orphanet 3447, MedGen C0265210, MONDO:0010193, OMIM 277590.

Submission:

Illumina Laboratory Services, Illumina
Classification: Uncertain significance for Weaver syndrome. Last evaluated: 2019-08-30. Review status: criteria provided, single submitter. Criteria: ICSLVariantClassificationCriteria RUGD 01 April 2020. Collection method: clinical testing. Allele origin: unknown.
Comment: The EZH2 c.2111-3_2115dupCAGTTATG p.(Met706GlnfsTer3) variant causes a shift in the protein reading frame that is predicted to result in premature termination of the protein. Loss of normal protein function through either protein truncation or nonsense-mediated mRNA decay is expected. To our knowledge, this variant has not been reported in the peer-reviewed literature. This variant is not observed in version 2.1.1 or version 4.0.0 of the Genome Aggregation Database. Based on the available evidence the c.2111-3_2115dupCAGTTATG p.(Met706GlnfsTer3) variant is classified as a variant of uncertain significance for Weaver syndrome.